The following is an entry in ClinVar:

NM_000138.5(FBN1):c.5009_5020del (p.Tyr1670_Ile1673del)

Gene: FBN1 (fibrillin 1; minus strand). Cytogenetic location: 15q21.1.
Variant type: Deletion.
Coding change: c.5009_5020del on transcript NM_000138.5 (MANE Select); coding-DNA positions 5009 to 5020, 12 bases deleted (ACACCTGTATCT).
Protein change: p.Tyr1670_Ile1673del.
Molecular consequence: inframe deletion. On other transcripts: inframe indel (1).
Genome position (GRCh38, 1-based): chr15:48,463,944-48,463,955, AGATACAGGTGT deleted on the plus strand (ACACCTGTATCT on the coding strand, the reverse complement: FBN1 is on the minus strand); deleting any 12 consecutive bases within chr15:48,463,944-48,463,957 gives the same sequence; the c. name uses the placement nearest the transcript's 3' end. VCF-style (leftmost placement, unchanged base first): chr15-48463943-CAGATACAGGTGT-C. GRCh37 (hg19) VCF-style: chr15-48756140-CAGATACAGGTGT-C.
Other names: c.5007_5018delCTACACCTGTAT, p.Tyr1670_Ile1673del (NM_001406716.1).
Identifiers: ClinVar variation 2015363 (VCV002015363.4), dbSNP rs2505493264, ClinGen allele CA2580089545.
Genomic context (GRCh38, chr15:48,463,943, plus strand): 5'-AAAAGCTTGGACTTACCCATGCAATTATTTCCCCCATTCACTTGCATGTAGTCTGGAGGA[CAGATACAGGTGT>C]AGTTGCCAACGGTGTTGTAACATGTCCCTGGACCACAGATTCCAGGAGTCTCACATTCAT-3'

ClinVar aggregate classification (germline): Pathogenic (1 of 4 stars; one submission).

Conditions:
Familial thoracic aortic aneurysm and aortic dissection (TAAD). Also called: Thoracic aortic aneurysms and dissections. Identifiers: Orphanet 91387, MedGen C4707243, MONDO:0019625.
Marfan syndrome (MFS). Also called: MARFAN SYNDROME, TYPE I; Marfan syndrome type 1; Marfan's syndrome; Marfan syndrome, classic; FBN1-Related Marfan Syndrome. Identifiers: Orphanet 284963, Orphanet 558, MedGen C0024796, MONDO:0007947, OMIM 154700.

Submission:

Labcorp Genetics (formerly Invitae), Labcorp
Classification: Pathogenic for Marfan syndrome; Familial thoracic aortic aneurysm and aortic dissection. Last evaluated: 2022-10-01. Review status: criteria provided, single submitter. Criteria: Invitae Variant Classification Sherloc (09022015). Collection method: clinical testing. Allele origin: germline.
Comment: For these reasons, this variant has been classified as Pathogenic. This variant disrupts a region of the FBN1 protein in which other variant(s) (p.Cys1672Gly) have been determined to be pathogenic (Invitae). This suggests that this is a clinically significant region of the protein, and that variants that disrupt it are likely to be disease-causing. This variant has been observed in individual(s) with clinical features of FBN1-related conditions (Invitae). This variant is not present in population databases (gnomAD no frequency). This variant, c.5009_5020del, results in the deletion of 4 amino acid(s) of the FBN1 protein (p.Tyr1670_Ile1673del), but otherwise preserves the integrity of the reading frame.